The following is an entry in ClinVar:

ClinVar aggregate classification (germline): Pathogenic (1 of 4 stars; one submission).

Submission:

Labcorp Genetics (formerly Invitae), Labcorp
Classification: Pathogenic. Last evaluated: 2023-10-12. Review status: criteria provided, single submitter. Criteria: Invitae Variant Classification Sherloc (09022015). Collection method: clinical testing. Allele origin: unknown.
Comment: This variant is a gross deletion of the genomic region encompassing exon(s) 1-15 of the VLDLR gene, which includes the initiator codon. This deletion extends beyond the assayed region for this gene and therefore may encompass additional genes. It is expected to result in an absent or disrupted protein product. Loss-of-function variants in VLDLR are known to be pathogenic (PMID: 18043714, 18326629, 22532556). This variant has not been reported in the literature in individuals affected with VLDLR-related conditions. For these reasons, this variant has been classified as Pathogenic.

Literature cited by the submitters: PubMed 18043714; PubMed 18326629; PubMed 22532556.

NC_000009.11:g.(?_2622190)_(2650536_?)del

Gene: VLDLR (very low density lipoprotein receptor; plus strand). Cytogenetic location: 9p24.2.
Variant type: Deletion.
Identifiers: ClinVar variation 3245314 (VCV003245314.1).